The following is an entry in ClinVar:

ClinVar aggregate classification (germline): Likely benign (1 of 4 stars; one submission).

Submission:

GeneDx
Classification: Likely benign. Last evaluated: 2016-02-15. Review status: criteria provided, single submitter. Criteria: GeneDx Variant Classification (06012015). Collection method: clinical testing. Allele origin: germline. Affected: yes.
Comment: This variant is considered likely benign or benign based on one or more of the following criteria: it is a conservative change, it occurs at a poorly conserved position in the protein, it is predicted to be benign by multiple in silico algorithms, and/or has population frequency not consistent with disease.

NM_152416.4(NDUFAF6):c.197+18T>G

Genes: NDUFAF6 (NADH:ubiquinone oxidoreductase complex assembly factor 6; plus strand), LOC113788297 (Sharpr-MPRA regulatory region 2014; plus strand). Cytogenetic location: 8q22.1.
Variant type: single nucleotide variant.
Coding change: c.197+18T>G on transcript NM_152416.4 (MANE Select); 18 bases into the intron after coding-DNA position 197, T replaced by G.
Molecular consequence: intron variant.
Genome position (GRCh38, 1-based): chr8:95,025,223, T>G. VCF-style: chr8-95025223-T-G. GRCh37 (hg19) VCF-style: chr8-96037451-T-G.
Other names: c.-486+18T>G (NM_001354530.2); c.-453+18T>G (NM_001354533.2); c.-384+18T>G (NM_001354529.2); c.-482+18T>G (NM_001354531.2); c.-37+18T>G (NM_001354517.2); c.42-6772T>G (NM_001354516.2); c.-83-6772T>G (NM_001354515.2, NM_001354514.2); c.-572+18T>G (NM_001354528.2); and 8 more.
Identifiers: ClinVar variation 382600 (VCV000382600.1), dbSNP rs1057521397, ClinGen allele CA16605530.